The following is an entry in ClinVar:

NM_001939.3(DRP2):c.1978-3C>T

Gene: DRP2 (dystrophin related protein 2; plus strand). Cytogenetic location: Xq22.1.
Variant type: single nucleotide variant.
Coding change: c.1978-3C>T on transcript NM_001939.3 (MANE Select); 3 bases into the intron before coding-DNA position 1978, C replaced by T.
Molecular consequence: intron variant.
Genome position (GRCh38, 1-based): chrX:101,254,422, C>T. VCF-style: chrX-101254422-C-T. GRCh37 (hg19) VCF-style: chrX-100509411-C-T.
Other names: c.1744-3C>T (NM_001171184.2).
Identifiers: ClinVar variation 777797 (VCV000777797.13), dbSNP rs138703544, ClinGen allele CA10472385.

ClinVar aggregate classification (germline): Benign/Likely benign. Review status: criteria provided, multiple submitters, no conflicts (2 of 4 stars). 3 submissions from 3 submitters: Benign (2); Likely benign (1). Last evaluated 2026-09-12.

Conditions:
DRP2-related disorder. Also called: DRP2-related condition.

Allele frequency attached by ClinVar (database versions not stated): gnomAD 0.00663 and 0.00617; TOPMed 0.00721; ESP Exome Variant Server 0.00795; gnomAD exomes 0.00059 and 0.00177; ExAC 0.00215; 1000 Genomes Project 30x 0.00645; 1000 Genomes Project 0.00662.
gnomAD v4.1: 1,363 of 1,210,053 alleles (0.11%); highest among the groups gnomAD compares: African/African-American, 2.2%; 9 homozygotes.

Submissions (4):

PreventionGenetics, part of Exact Sciences
Classification: Likely benign for DRP2-related condition. Last evaluated: 2026-09-12. Review status: criteria provided, single submitter. Criteria: ACMG Guidelines, 2015. Collection method: clinical testing. Allele origin: germline.
Comment: This variant is classified as likely benign based on ACMG/AMP sequence variant interpretation guidelines (Richards et al. 2015 PMID: 25741868, with internal and published modifications).

Labcorp Genetics (formerly Invitae), Labcorp
Classification: Benign. Last evaluated: 2026-01-11. Review status: criteria provided, single submitter. Criteria: Invitae Variant Classification Sherloc (09022015). Collection method: clinical testing. Allele origin: germline.

Breakthrough Genomics
Classification: Benign. Review status: criteria provided, single submitter. Criteria: ACMG Guidelines, 2015. Collection method: not provided. Allele origin: germline. Inheritance: Unknown mechanism. Affected: yes.

Dr. Peter K. Rogan Lab, Western University
No classification provided (evidence only). Condition: Familial cancer of breast. Review status: no classification provided. Collection method: in vitro. Allele origin: not applicable. Functional consequence: retained intron. Not counted in ClinVar's aggregate classification.